The following is an entry in ClinVar:

NM_000096.4(CP):c.1487A>G (p.Asn496Ser)

Gene: CP (ceruloplasmin; minus strand). Cytogenetic location: 3q24.
Variant type: single nucleotide variant.
Coding change: c.1487A>G on transcript NM_000096.4 (MANE Select); coding-DNA position 1487, A replaced by G.
Protein change: p.Asn496Ser; replaces asparagine 496 with serine.
Molecular consequence: missense variant. On other transcripts: non-coding transcript variant (1).
Genome position (GRCh38, 1-based): chr3:149,199,726, T>C on the plus strand (A>G on the coding strand, the complement: CP is on the minus strand). VCF-style: chr3-149199726-T-C. GRCh37 (hg19) VCF-style: chr3-148917513-T-C.
Other names: c.1487A>G (NM_000096.3); short protein forms N496S.
Identifiers: ClinVar variation 1587494 (VCV001587494.9), dbSNP rs541708867, ClinGen allele CA2661003.
Genomic context (GRCh38, chr3:149,199,726, plus strand): 5'-GGGTTATTAAACATTGTTGATTTGTTACACAGTGCTGTATACTCACTTCTGCTCTGGGGG[T>C]TGTAATTTGGGGAATAGTATGTGCCCTCGTTGTTCTTATTGAATCTCACCCCAATCGGCT-3'
Protein context (NP_000087.2, residues 486-506): NEGTYYSPNY[Asn496Ser]PQSRSVPPSA

ClinVar aggregate classification (germline): Conflicting classifications of pathogenicity. Review status: criteria provided, conflicting classifications (1 of 4 stars). 2 submissions from 2 submitters: Uncertain significance (1); Likely benign (1). Last evaluated 2025-09-02.

Conditions:
Deficiency of ferroxidase (ACEP). Also called: NEURODEGENERATION WITH BRAIN IRON ACCUMULATION 10; Aceruloplasminemia; Ceruloplasmin deficiency; Familial apoceruloplasmin deficiency; Hereditary ceruloplasmin deficiency; Deficiency of ceruloplasmin. Identifiers: Orphanet 48818, MedGen C0878682, MONDO:0011426, OMIM 604290, HP:0025498.

Allele frequency attached by ClinVar (database versions not stated): TOPMed 0.00003; gnomAD 0.00009; gnomAD exomes 0.00012 and 0.00021; ExAC 0.00029; 1000 Genomes Project 0.00100; 1000 Genomes Project 30x 0.00109.
gnomAD v4.1: 190 of 1,613,946 alleles (0.012%); highest among the groups gnomAD compares: South Asian, 0.19%; 1 homozygote.

Submissions (2):

Labcorp Genetics (formerly Invitae), Labcorp
Classification: Likely benign for Deficiency of ferroxidase. Last evaluated: 2025-09-02. Review status: criteria provided, single submitter. Criteria: Invitae Variant Classification Sherloc (09022015). Collection method: clinical testing. Allele origin: germline.

GeneDx
Classification: Uncertain significance. Last evaluated: 2025-04-21. Review status: criteria provided, single submitter. Criteria: GeneDx Variant Classification Process June 2021. Collection method: clinical testing. Allele origin: germline. Affected: yes.
Comment: In silico analysis indicates that this missense variant does not alter protein structure/function; Has not been previously published as pathogenic or benign to our knowledge; Also known as p(N477S)